The following is an entry in ClinVar:

NM_001258392.3(CLPB):c.1930C>T (p.Arg644Cys)

Gene: CLPB (ClpB family mitochondrial disaggregase; minus strand). Cytogenetic location: 11q13.4.
Variant type: single nucleotide variant.
Coding change: c.1930C>T on transcript NM_001258392.3 (MANE Select); coding-DNA position 1930, C replaced by T.
Protein change: p.Arg644Cys; replaces arginine 644 with cysteine.
Molecular consequence: missense variant.
Genome position (GRCh38, 1-based): chr11:72,293,471, G>A on the plus strand (C>T on the coding strand, the complement: CLPB is on the minus strand). VCF-style: chr11-72293471-G-A. GRCh37 (hg19) VCF-style: chr11-72004515-G-A.
Other names: c.1843C>T, p.Arg615Cys (NM_001258393.3); c.1885C>T, p.Arg629Cys (NM_001258394.3); c.2020C>T, p.Arg674Cys (NM_030813.6); c.2020C>T (NM_030813.3); short protein forms R629C, R644C, R615C, R674C.
Identifiers: ClinVar variation 1896805 (VCV001896805.4), dbSNP rs747869174, ClinGen allele CA6170989.

ClinVar aggregate classification (germline): Uncertain significance. Review status: criteria provided, multiple submitters, no conflicts (2 of 4 stars). 2 submissions from 2 submitters: Uncertain significance (2). Last evaluated 2025-06-16.

Conditions:
Inborn genetic diseases. Identifiers: MedGen C0950123, MeSH D030342.
3-methylglutaconic aciduria, type VIIB (MGCA7B). Also called: CLPB Deficiency; 3-methylglutaconic aciduria with cataracts, neurologic involvement and neutropenia; 3-methylglutaconic aciduria, type VII, with cataracts, neurologic involvement and neutropenia. Identifiers: Orphanet 445038, MedGen C5676893, MONDO:0014561, OMIM 616271.

Allele frequency attached by ClinVar (database versions not stated): gnomAD exomes below 0.00001; TOPMed below 0.00001; gnomAD 0.00001; ExAC 0.00002.
gnomAD v4.1: 11 of 1,614,052 alleles (0.00068%); highest among the groups gnomAD compares: East Asian, 0.0067%; no homozygotes.

Submissions (2):

Ambry Genetics
Classification: Uncertain significance for Inborn genetic diseases. Last evaluated: 2025-06-16. Review status: criteria provided, single submitter. Criteria: Ambry Variant Classification Scheme 2023. Collection method: clinical testing. Allele origin: germline.

Labcorp Genetics (formerly Invitae), Labcorp
Classification: Uncertain significance for 3-methylglutaconic aciduria, type VIIB. Last evaluated: 2023-11-24. Review status: criteria provided, single submitter. Criteria: Invitae Variant Classification Sherloc (09022015). Collection method: clinical testing. Allele origin: germline.
Comment: This sequence change replaces arginine, which is basic and polar, with cysteine, which is neutral and slightly polar, at codon 674 of the CLPB protein (p.Arg674Cys). This variant is present in population databases (rs747869174, gnomAD 0.006%). This variant has not been reported in the literature in individuals affected with CLPB-related conditions. ClinVar contains an entry for this variant (Variation ID: 1896805). An algorithm developed to predict the effect of missense changes on protein structure and function (PolyPhen-2) suggests that this variant is likely to be disruptive. In summary, the available evidence is currently insufficient to determine the role of this variant in disease. Therefore, it has been classified as a Variant of Uncertain Significance.